The following is an entry in ClinVar:

NM_000540.3(RYR1):c.12479A>T (p.His4160Leu)

Gene: RYR1 (ryanodine receptor 1; plus strand). Cytogenetic location: 19q13.2.
Variant type: single nucleotide variant.
Coding change: c.12479A>T on transcript NM_000540.3 (MANE Select); coding-DNA position 12479, A replaced by T.
Protein change: p.His4160Leu; replaces histidine 4160 with leucine.
Molecular consequence: missense variant.
Genome position (GRCh38, 1-based): chr19:38,561,309, A>T. VCF-style: chr19-38561309-A-T. GRCh37 (hg19) VCF-style: chr19-39051949-A-T.
Other names: c.12464A>T, p.His4155Leu (NM_001042723.2); short protein forms H4160L, H4155L.
Identifiers: ClinVar variation 947122 (VCV000947122.5), dbSNP rs780793478, ClinGen allele CA058989.

ClinVar aggregate classification (germline): Uncertain significance. Review status: criteria provided, multiple submitters, no conflicts (2 of 4 stars). 2 submissions from 2 submitters: Uncertain significance (2). Last evaluated 2025-10-02.

Conditions:
RYR1-related disorder. Also called: RYR1-related disorders; RYR1-related condition. Identifiers: MedGen CN239331.
Malignant hyperthermia, susceptibility to, 1 (MHS1). Also called: Malignant hyperthermia suceptibility 1; RYR1-Related Malignant Hyperthermia Susceptibility; Anesthesia related hyperthermia; Malignant hyperpyrexia; Fulminating hyperpyrexia; Pharmacogenic myopathy. Identifiers: Orphanet 423, MedGen C2930980, MONDO:0007783, OMIM 145600.

Allele frequency attached by ClinVar (database versions not stated): ExAC 0.00001; gnomAD exomes 0.00001 and 0.00002.
gnomAD v4.1: 12 of 1,614,032 alleles (0.00074%); highest among the groups gnomAD compares: South Asian, 0.013%; no homozygotes.

Submissions (2):

Labcorp Genetics (formerly Invitae), Labcorp
Classification: Uncertain significance for RYR1-related disorder. Last evaluated: 2025-10-02. Review status: criteria provided, single submitter. Criteria: Invitae Variant Classification Sherloc (09022015). Collection method: clinical testing. Allele origin: germline.
Comment: This sequence change replaces histidine, which is basic and polar, with leucine, which is neutral and non-polar, at codon 4160 of the RYR1 protein (p.His4160Leu). This variant is present in population databases (rs780793478, gnomAD 0.01%). This variant has not been reported in the literature in individuals affected with RYR1-related conditions. ClinVar contains an entry for this variant (Variation ID: 947122). Invitae Evidence Modeling of protein sequence and biophysical properties (such as structural, functional, and spatial information, amino acid conservation, physicochemical variation, residue mobility, and thermodynamic stability) indicates that this missense variant is not expected to disrupt RYR1 protein function with a negative predictive value of 80%. In summary, the available evidence is currently insufficient to determine the role of this variant in disease. Therefore, it has been classified as a Variant of Uncertain Significance.

Color Diagnostics, LLC DBA Color Health
Classification: Uncertain significance for Malignant hyperthermia, susceptibility to, 1. Last evaluated: 2025-09-15. Review status: criteria provided, single submitter. Criteria: ACMG Guidelines, 2015. Collection method: clinical testing. Allele origin: germline.
Comment: This missense variant replaces histidine with leucine at codon 4160 of the RYR1 protein. Computational prediction suggests that this variant may not impact protein structure and function. To our knowledge, functional studies have not been reported for this variant. This variant has not been reported in individuals affected with RYR1-related disorders in the literature. This variant has been identified in 4/251196 chromosomes in the general population by the Genome Aggregation Database (gnomAD). The available evidence is insufficient to determine the role of this variant in disease conclusively. Therefore, this variant is classified as a Variant of Uncertain Significance.